The following is an entry in ClinVar:

NM_002890.3(RASA1):c.2963G>A (p.Arg988Lys)

Genes: CCNH (cyclin H; minus strand), RASA1 (RAS p21 protein activator 1; plus strand). Cytogenetic location: 5q14.3.
Variant type: single nucleotide variant.
Coding change: c.2963G>A on transcript NM_002890.3 (MANE Select); coding-DNA position 2963, G replaced by A.
Protein change: p.Arg988Lys; replaces arginine 988 with lysine.
Molecular consequence: missense variant. On other transcripts: intron variant (1).
Genome position (GRCh38, 1-based): chr5:87,389,430, G>A. VCF-style: chr5-87389430-G-A. GRCh37 (hg19) VCF-style: chr5-86685247-G-A.
Other names: c.2432G>A, p.Arg811Lys (NM_022650.3); c.933+5614C>T (NM_001364075.2); short protein forms R988K, R811K.
Identifiers: ClinVar variation 3643378 (VCV003643378.2).

ClinVar aggregate classification (germline): Uncertain significance (1 of 4 stars; one submission).

Conditions:
Capillary malformation-arteriovenous malformation syndrome. Also called: Capillary malformation-arteriovenous malformation. Identifiers: Orphanet 137667, MedGen C1842180, MONDO:0012016.

Submission:

Labcorp Genetics (formerly Invitae), Labcorp
Classification: Uncertain significance for Capillary malformation-arteriovenous malformation syndrome. Last evaluated: 2024-05-17. Review status: criteria provided, single submitter. Criteria: Invitae Variant Classification Sherloc (09022015). Collection method: clinical testing. Allele origin: germline.
Comment: This sequence change replaces arginine, which is basic and polar, with lysine, which is basic and polar, at codon 988 of the RASA1 protein (p.Arg988Lys). This variant is not present in population databases (gnomAD no frequency). This variant has not been reported in the literature in individuals affected with RASA1-related conditions. An algorithm developed to predict the effect of missense changes on protein structure and function (PolyPhen-2) suggests that this variant is likely to be tolerated. In summary, the available evidence is currently insufficient to determine the role of this variant in disease. Therefore, it has been classified as a Variant of Uncertain Significance.